The following is an entry in ClinVar:

ClinVar aggregate classification (germline): Uncertain significance (1 of 4 stars; one submission).

Submission:

Women's Health and Genetics/Laboratory Corporation of America, LabCorp
Classification: Uncertain significance. Last evaluated: 2025-10-23. Review status: criteria provided, single submitter. Criteria: LabCorp Variant Classification Summary - May 2015. Collection method: clinical testing. Allele origin: germline.
Comment: Variant summary: SRRM2 c.2136A>T (p.Arg712Ser) results in a non-conservative amino acid change in the encoded protein sequence. Algorithms developed to predict the effect of missense changes on protein structure and function are either unavailable or do not agree on the potential impact of this missense change. The variant was absent in 251252 control chromosomes. The available data on variant occurrences in the general population are insufficient to allow any conclusion about variant significance. To our knowledge, no occurrence of c.2136A>T in individuals affected with SRRM2-related conditions and no experimental evidence demonstrating its impact on protein function have been reported. No submitters have cited clinical-significance assessments for this variant to ClinVar. Based on the evidence outlined above, the variant was classified as uncertain significance.

NM_016333.4(SRRM2):c.2136A>T (p.Arg712Ser)

Gene: SRRM2 (serine/arginine repetitive matrix 2; plus strand). Cytogenetic location: 16p13.3.
Variant type: single nucleotide variant.
Coding change: c.2136A>T on transcript NM_016333.4 (MANE Select); coding-DNA position 2136, A replaced by T.
Protein change: p.Arg712Ser; replaces arginine 712 with serine.
Molecular consequence: missense variant.
Genome position (GRCh38, 1-based): chr16:2,762,664, A>T. VCF-style: chr16-2762664-A-T. GRCh37 (hg19) VCF-style: chr16-2812665-A-T.
Other names: short protein forms R712S.
Identifiers: ClinVar variation 4687794 (VCV004687794.1).